The following is an entry in ClinVar:

NM_004380.3(CREBBP):c.2237C>T (p.Pro746Leu)

Gene: CREBBP (CREB binding protein; minus strand). Cytogenetic location: 16p13.3.
Variant type: single nucleotide variant.
Coding change: c.2237C>T on transcript NM_004380.3 (MANE Select); coding-DNA position 2237, C replaced by T.
Protein change: p.Pro746Leu; replaces proline 746 with leucine.
Molecular consequence: missense variant.
Genome position (GRCh38, 1-based): chr16:3,774,615, G>A on the plus strand (C>T on the coding strand, the complement: CREBBP is on the minus strand). VCF-style: chr16-3774615-G-A. GRCh37 (hg19) VCF-style: chr16-3824616-G-A.
Other names: c.2123C>T, p.Pro708Leu (NM_001079846.1); short protein forms P708L, P746L.
Identifiers: ClinVar variation 2446172 (VCV002446172.1), dbSNP rs2548424722, ClinGen allele CA394553267.
Genomic context (GRCh38, chr16:3,774,615, plus strand): 5'-AAGAGAACACTTACCCCTGGCACTGAGCCCATGCTGTTCATCTGGACAGAGTGGTTCATT[G>A]GGGAGGCTGCACGAGGTCCCATGGGTGCTTGTGGCAACTGGACGTTCCCCAAGGACATGG-3'
Protein context (NP_004371.2, residues 736-756): QAPMGPRAAS[Pro746Leu]MNHSVQMNSM

ClinVar aggregate classification (germline): Uncertain significance (1 of 4 stars; one submission).

Submission:

GeneDx
Classification: Uncertain significance. Last evaluated: 2022-09-26. Review status: criteria provided, single submitter. Criteria: GeneDx Variant Classification Process June 2021. Collection method: clinical testing. Allele origin: germline. Affected: yes.
Comment: Not observed at significant frequency in large population cohorts (gnomAD); In silico analysis supports that this missense variant has a deleterious effect on protein structure/function; Has not been previously published as pathogenic or benign to our knowledge